The following is an entry in ClinVar:

NM_001130009.3(GEN1):c.1882A>G (p.Ile628Val)

Gene: GEN1 (GEN1 Holliday junction 5' flap endonuclease; plus strand). Cytogenetic location: 2p24.2.
Variant type: single nucleotide variant.
Coding change: c.1882A>G on transcript NM_001130009.3 (MANE Select); coding-DNA position 1882, A replaced by G.
Protein change: p.Ile628Val; replaces isoleucine 628 with valine.
Molecular consequence: missense variant.
Genome position (GRCh38, 1-based): chr2:17,781,094, A>G. VCF-style: chr2-17781094-A-G. GRCh37 (hg19) VCF-style: chr2-17962361-A-G.
Other names: c.1882A>G, p.Ile628Val (NM_182625.5); short protein forms I628V.
Identifiers: ClinVar variation 3519785 (VCV003519785.2).

ClinVar aggregate classification (germline): Uncertain significance (1 of 4 stars; one submission).

Submission:

Ambry Genetics
Classification: Uncertain significance. Last evaluated: 2025-03-30. Review status: criteria provided, single submitter. Criteria: Ambry Variant Classification Scheme 2023. Collection method: clinical testing. Allele origin: germline.
Comment: The p.I628V variant (also known as c.1882A>G), located in coding exon 13 of the GEN1 gene, results from an A to G substitution at nucleotide position 1882. The isoleucine at codon 628 is replaced by valine, an amino acid with highly similar properties. This amino acid position is conserved. In addition, this alteration is predicted to be tolerated by in silico analysis. Based on the available evidence, the clinical significance of this variant remains unclear.